The following is an entry in ClinVar:

NM_030943.4(AMN):c.294G>A (p.Ala98=)

Gene: AMN (amnion associated transmembrane protein; plus strand). Cytogenetic location: 14q32.32.
Variant type: single nucleotide variant.
Coding change: c.294G>A on transcript NM_030943.4 (MANE Select); coding-DNA position 294, G replaced by A.
Protein change: p.Ala98=; no amino-acid change (alanine 98 retained).
Molecular consequence: synonymous variant.
Genome position (GRCh38, 1-based): chr14:102,928,512, G>A. VCF-style: chr14-102928512-G-A. GRCh37 (hg19) VCF-style: chr14-103394849-G-A.
Identifiers: ClinVar variation 2201180 (VCV002201180.2), dbSNP rs767611074, ClinGen allele CA7359842.

ClinVar aggregate classification (germline): Uncertain significance. Review status: criteria provided, multiple submitters, no conflicts (2 of 4 stars). 2 submissions from 2 submitters: Uncertain significance (2). Last evaluated 2024-03-18.

Conditions:
Imerslund-Grasbeck syndrome type 2. Also called: MEGALOBLASTIC ANEMIA, NORWEGIAN TYPE; Imerslund-Gräsbeck syndrome 2; Megaloblastic anemia 1, Norwegian type. Identifiers: MedGen C4016948, MONDO:0100157, OMIM 618882.
Imerslund-Grasbeck syndrome. Also called: Imerslund-Gräsbeck syndrome; ENTEROCYTE COBALAMIN MALABSORPTION; ENTEROCYTE INTRINSIC FACTOR RECEPTOR, DEFECT OF; Megaloblastic anemia due to inborn errors of metabolism; PERNICIOUS ANEMIA, JUVENILE, DUE TO SELECTIVE INTESTINAL MALABSORPTION OF VITAMIN B12, WITH PROTEINURIA. Identifiers: Orphanet 35858, MedGen C4551825, MONDO:0009853.

Allele frequency attached by ClinVar (database versions not stated): gnomAD 0.00001; TOPMed 0.00001.

Submissions (2):

Fulgent Genetics
Classification: Uncertain significance for Imerslund-Grasbeck syndrome type 2. Last evaluated: 2024-03-18. Review status: criteria provided, single submitter. Criteria: ACMG Guidelines, 2015. Collection method: clinical testing. Allele origin: germline.

Labcorp Genetics (formerly Invitae), Labcorp
Classification: Uncertain significance for Imerslund-Grasbeck syndrome. Last evaluated: 2022-03-11. Review status: criteria provided, single submitter. Criteria: Invitae Variant Classification Sherloc (09022015). Collection method: clinical testing. Allele origin: germline.
Comment: This sequence change affects codon 98 of the AMN mRNA. It is a 'silent' change, meaning that it does not change the encoded amino acid sequence of the AMN protein. It affects a nucleotide within the consensus splice site. The frequency data for this variant in the population databases is considered unreliable, as metrics indicate poor data quality at this position in the gnomAD database. This variant has not been reported in the literature in individuals affected with AMN-related conditions. Algorithms developed to predict the effect of sequence changes on RNA splicing suggest that this variant is not likely to affect RNA splicing. In summary, the available evidence is currently insufficient to determine the role of this variant in disease. Therefore, it has been classified as a Variant of Uncertain Significance.